The following is an entry in ClinVar:

NM_001244926.2(PRPF4):c.112del (p.Glu38fs)

Gene: PRPF4 (pre-mRNA splicing tri-snRNP complex factor PRPF4; plus strand). Cytogenetic location: 9q32.
Variant type: Deletion.
Coding change: c.112del on transcript NM_001244926.2 (MANE Select); coding-DNA position 112, one base deleted (G; older notation c.112delG).
Protein change: p.Glu38fs; shifts the reading frame from glutamic acid 38.
Molecular consequence: frameshift variant. On other transcripts: 5 prime UTR variant (2), non-coding transcript variant (2).
Genome position (GRCh38, 1-based): chr9:113,276,632, G deleted; the last of 2 consecutive G bases (chr9:113,276,631-113,276,632); deleting either gives the same sequence. VCF-style (leftmost placement, unchanged base first): chr9-113276630-AG-A. GRCh37 (hg19) VCF-style: chr9-116038910-AG-A.
Other names: c.-654del (NM_001322266.2, NM_001322267.2); c.115del, p.Glu39fs (NM_004697.5); short protein forms E38fs, E39fs.
Identifiers: ClinVar variation 4729168 (VCV004729168.1).

ClinVar aggregate classification (germline): Uncertain significance (1 of 4 stars; one submission).

Submission:

Labcorp Genetics (formerly Invitae), Labcorp
Classification: Uncertain significance. Last evaluated: 2025-10-14. Review status: criteria provided, single submitter. Criteria: Invitae Variant Classification Sherloc (09022015). Collection method: clinical testing. Allele origin: germline.
Comment: This sequence change creates a premature translational stop signal (p.Glu39Argfs*29) in the PRPF4 gene. It is expected to result in an absent or disrupted protein product. However, the current clinical and genetic evidence is not sufficient to establish whether loss-of-function variants in PRPF4 cause disease. This variant is not present in population databases (gnomAD no frequency). This variant has not been reported in the literature in individuals affected with PRPF4-related conditions. In summary, the available evidence is currently insufficient to determine the role of this variant in disease. Therefore, it has been classified as a Variant of Uncertain Significance.